The following is an entry in ClinVar:

NM_020975.6(RET):c.3164C>A (p.Thr1055Lys)

Gene: RET (ret proto-oncogene; plus strand). Cytogenetic location: 10q11.21.
Variant type: single nucleotide variant.
Coding change: c.3164C>A on transcript NM_020975.6 (MANE Select); coding-DNA position 3164, C replaced by A.
Protein change: p.Thr1055Lys; replaces threonine 1055 with lysine.
Molecular consequence: missense variant. On other transcripts: intron variant (4).
Genome position (GRCh38, 1-based): chr10:43,126,699, C>A. VCF-style: chr10-43126699-C-A. GRCh37 (hg19) VCF-style: chr10-43622147-C-A.
Other names: c.2402C>A, p.Thr801Lys (NM_001355216.2); c.3164C>A, p.Thr1055Lys (NM_001406743.1, NM_001406744.1, NM_020630.7); c.3035C>A, p.Thr1012Lys (NM_001406761.1, NM_001406762.1, NM_001406764.1); c.3029C>A, p.Thr1010Lys (NM_001406763.1, NM_001406765.1); c.2876C>A, p.Thr959Lys (NM_001406766.1, NM_001406767.1, NM_001406770.1); c.2900C>A, p.Thr967Lys (NM_001406768.1); c.2768C>A, p.Thr923Lys (NM_001406769.1, NM_001406772.1); c.2726C>A, p.Thr909Lys (NM_001406771.1, NM_001406773.1); and 13 more; short protein forms T1010K, T1012K, T1055K, T713K, T756K, T923K, T711K, T725K.
Identifiers: ClinVar variation 3680359 (VCV003680359.3).

ClinVar aggregate classification (germline): Uncertain significance. Review status: criteria provided, multiple submitters, no conflicts (2 of 4 stars). 2 submissions from 2 submitters: Uncertain significance (2). Last evaluated 2025-12-04.

Conditions:
Multiple endocrine neoplasia, type 2 (MEN2). Identifiers: Orphanet 653, MedGen C4048306, MONDO:0019003. Disease mechanism: gain of function.
Hereditary cancer-predisposing syndrome. Also called: Neoplastic Syndromes, Hereditary; Tumor predisposition; Hereditary Cancer Syndrome; Hereditary neoplastic syndrome. Identifiers: Orphanet 140162, MedGen C0027672, MeSH D009386, MONDO:0015356.

Submissions (2):

Ambry Genetics
Classification: Uncertain significance for Hereditary cancer-predisposing syndrome. Last evaluated: 2025-12-04. Review status: criteria provided, single submitter. Criteria: Ambry Variant Classification Scheme 2023. Collection method: clinical testing. Allele origin: germline.
Comment: The p.T1055K variant (also known as c.3164C>A), located in coding exon 19 of the RET gene, results from a C to A substitution at nucleotide position 3164. The threonine at codon 1055 is replaced by lysine, an amino acid with similar properties. This amino acid position is highly conserved in available vertebrate species. In addition, this alteration is predicted to be deleterious by in silico analysis. Based on the available evidence, the clinical significance of this variant remains unclear.

Labcorp Genetics (formerly Invitae), Labcorp
Classification: Uncertain significance for Multiple endocrine neoplasia, type 2. Last evaluated: 2024-01-30. Review status: criteria provided, single submitter. Criteria: Invitae Variant Classification Sherloc (09022015). Collection method: clinical testing. Allele origin: germline.
Comment: This sequence change replaces threonine, which is neutral and polar, with lysine, which is basic and polar, at codon 1055 of the RET protein (p.Thr1055Lys). This variant is not present in population databases (gnomAD no frequency). This variant has not been reported in the literature in individuals affected with RET-related conditions. An algorithm developed to predict the effect of missense changes on protein structure and function (PolyPhen-2) suggests that this variant is likely to be disruptive. In summary, the available evidence is currently insufficient to determine the role of this variant in disease. Therefore, it has been classified as a Variant of Uncertain Significance.